The following is an entry in ClinVar:

ClinVar aggregate classification (germline): Uncertain significance (1 of 4 stars; one submission).

Conditions:
Rubinstein-Taybi syndrome due to EP300 haploinsufficiency. Also called: EP300-Related Rubinstein-Taybi Syndrome; RUBINSTEIN-TAYBI SYNDROME 2. Identifiers: Orphanet 353284, Orphanet 783, MedGen C3150941, MONDO:0013364, OMIM 613684.

Submission:

Labcorp Genetics (formerly Invitae), Labcorp
Classification: Uncertain significance for Rubinstein-Taybi syndrome due to EP300 haploinsufficiency. Last evaluated: 2025-10-11. Review status: criteria provided, single submitter. Criteria: Invitae Variant Classification Sherloc (09022015). Collection method: clinical testing. Allele origin: germline.
Comment: This sequence change replaces valine, which is neutral and non-polar, with alanine, which is neutral and non-polar, at codon 310 of the EP300 protein (p.Val310Ala). This variant is not present in population databases (gnomAD no frequency). This variant has not been reported in the literature in individuals affected with EP300-related conditions. Invitae Evidence Modeling of protein sequence and biophysical properties (such as structural, functional, and spatial information, amino acid conservation, physicochemical variation, residue mobility, and thermodynamic stability) indicates that this missense variant is not expected to disrupt EP300 protein function with a negative predictive value of 95%. In summary, the available evidence is currently insufficient to determine the role of this variant in disease. Therefore, it has been classified as a Variant of Uncertain Significance.

NM_001429.4(EP300):c.929T>C (p.Val310Ala)

Gene: EP300 (EP300 lysine acetyltransferase; plus strand). Cytogenetic location: 22q13.2.
Variant type: single nucleotide variant.
Coding change: c.929T>C on transcript NM_001429.4 (MANE Select); coding-DNA position 929, T replaced by C.
Protein change: p.Val310Ala; replaces valine 310 with alanine.
Molecular consequence: missense variant.
Genome position (GRCh38, 1-based): chr22:41,127,509, T>C. VCF-style: chr22-41127509-T-C. GRCh37 (hg19) VCF-style: chr22-41523513-T-C.
Other names: c.929T>C, p.Val310Ala (NM_001362843.2); short protein forms V310A.
Identifiers: ClinVar variation 4774195 (VCV004774195.1).
Genomic context (GRCh38, chr22:41,127,509, plus strand): 5'-ATGACTCCTACCATTAAATATATTGTTATATCTCTCAGGGTCAACAGCCAGCCCCGCAGG[T>C]CCAGCAGCCAGGCCTGGTGACTCCAGTTGCCCAAGGGATGGGTTCTGGAGCACATACAGC-3'
Protein context (NP_001420.2, residues 300-320): PNMGQQPAPQ[Val310Ala]QQPGLVTPVA